The following is an entry in ClinVar:

ClinVar aggregate classification (germline): Uncertain significance (1 of 4 stars; one submission).

Submission:

Women's Health and Genetics/Laboratory Corporation of America, LabCorp
Classification: Uncertain significance. Last evaluated: 2024-12-02. Review status: criteria provided, single submitter. Criteria: LabCorp Variant Classification Summary - May 2015. Collection method: clinical testing. Allele origin: germline.
Comment: Variant summary: MYT1L c.768T>G (p.Asp256Glu) results in a conservative amino acid change in the encoded protein sequence. Three of five in-silico tools predict a benign effect of the variant on protein function. The variant was absent in 249306 control chromosomes. The available data on variant occurrences in the general population are insufficient to allow any conclusion about variant significance. To our knowledge, no occurrence of c.768T>G in individuals affected with Mental Retardation, Autosomal Dominant 39 and no experimental evidence demonstrating its impact on protein function have been reported. No submitters have cited clinical-significance assessments for this variant to ClinVar. Based on the evidence outlined above, the variant was classified as uncertain significance.

NM_001303052.2(MYT1L):c.768T>G (p.Asp256Glu)

Gene: MYT1L (myelin transcription factor 1 like; minus strand). Cytogenetic location: 2p25.3.
Variant type: single nucleotide variant.
Coding change: c.768T>G on transcript NM_001303052.2 (MANE Select); coding-DNA position 768, T replaced by G.
Protein change: p.Asp256Glu; replaces aspartic acid 256 with glutamic acid.
Molecular consequence: missense variant.
Genome position (GRCh38, 1-based): chr2:1,923,001, A>C on the plus strand (T>G on the coding strand, the complement: MYT1L is on the minus strand). VCF-style: chr2-1923001-A-C. GRCh37 (hg19) VCF-style: chr2-1926773-A-C.
Other names: c.768T>G, p.Asp256Glu (NM_001329844.2, NM_001329845.1, NM_001329846.3 and 6 more transcripts); short protein forms D256E.
Identifiers: ClinVar variation 3768397 (VCV003768397.1).